The following is an entry in ClinVar:

ClinVar aggregate classification (germline): Uncertain significance (1 of 4 stars; one submission).

Conditions:
Autosomal dominant epilepsy with auditory features. Identifiers: Orphanet 101046, MedGen C1838062, MONDO:0010898.

Submission:

Labcorp Genetics (formerly Invitae), Labcorp
Classification: Uncertain significance for Autosomal dominant epilepsy with auditory features. Last evaluated: 2023-06-15. Review status: criteria provided, single submitter. Criteria: Invitae Variant Classification Sherloc (09022015). Collection method: clinical testing. Allele origin: germline.
Comment: Advanced modeling of protein sequence and biophysical properties (such as structural, functional, and spatial information, amino acid conservation, physicochemical variation, residue mobility, and thermodynamic stability) performed at Invitae indicates that this missense variant is not expected to disrupt LGI1 protein function. In summary, the available evidence is currently insufficient to determine the role of this variant in disease. Therefore, it has been classified as a Variant of Uncertain Significance. This variant has not been reported in the literature in individuals affected with LGI1-related conditions. This variant is not present in population databases (gnomAD no frequency). This sequence change replaces asparagine, which is neutral and polar, with aspartic acid, which is acidic and polar, at codon 544 of the LGI1 protein (p.Asn544Asp).

NM_005097.4(LGI1):c.1630A>G (p.Asn544Asp)

Gene: LGI1 (leucine rich glioma inactivated 1; plus strand). Cytogenetic location: 10q23.33.
Variant type: single nucleotide variant.
Coding change: c.1630A>G on transcript NM_005097.4 (MANE Select); coding-DNA position 1630, A replaced by G.
Protein change: p.Asn544Asp; replaces asparagine 544 with aspartic acid.
Molecular consequence: missense variant. On other transcripts: synonymous variant (1), non-coding transcript variant (1).
Genome position (GRCh38, 1-based): chr10:93,797,759, A>G. VCF-style: chr10-93797759-A-G. GRCh37 (hg19) VCF-style: chr10-95557516-A-G.
Other names: c.849A>G, p.Glu283= (NM_001308275.2); c.1486A>G, p.Asn496Asp (NM_001308276.2); short protein forms N496D, N544D.
Identifiers: ClinVar variation 2715597 (VCV002715597.3), dbSNP rs2492920519, ClinGen allele CA377630313.